The following is an entry in ClinVar:

ClinVar aggregate classification (germline): Uncertain significance (0 of 4 stars; one submission).

Conditions:
Prostate cancer. Also called: Malignant tumor of prostate. Identifiers: Orphanet 1331, MedGen C0376358, MONDO:0008315, HP:0012125.

Allele frequency attached by ClinVar (database versions not stated): ExAC 0.00004; TOPMed 0.00005; ESP Exome Variant Server 0.00015; gnomAD 0.00003; gnomAD exomes 0.00004.
gnomAD v4.1: 50 of 1,613,746 alleles (0.0031%); highest among the groups gnomAD compares: Admixed American, 0.013%; no homozygotes.

Submission:

Science for Life laboratory,  Karolinska Institutet
Classification: Uncertain significance for Malignant tumor of prostate. Review status: no assertion criteria provided. Collection method: not provided. Allele origin: somatic.
Comment: TumorID:SWE-16
ClinVar note: Converted during submission from Unknown to Uncertain significance.

NM_001134658.3(SLC35G1):c.427G>A (p.Ala143Thr)

Gene: SLC35G1 (solute carrier family 35 member G1; plus strand). Cytogenetic location: 10q23.33.
Variant type: single nucleotide variant.
Coding change: c.427G>A on transcript NM_001134658.3 (MANE Select); coding-DNA position 427, G replaced by A.
Protein change: p.Ala143Thr; replaces alanine 143 with threonine.
Molecular consequence: missense variant.
Genome position (GRCh38, 1-based): chr10:93,900,819, G>A. VCF-style: chr10-93900819-G-A. GRCh37 (hg19) VCF-style: chr10-95660576-G-A.
Other names: c.376G>A, p.Ala126Thr (NM_001345993.2); c.424G>A, p.Ala142Thr (NM_153226.4); short protein forms A142T, A143T, A126T.
Identifiers: ClinVar variation 161821 (VCV000161821.2), dbSNP rs144043787, ClinGen allele CA174848.
Genomic context (GRCh38, chr10:93,900,819, plus strand): 5'-TTTATAGGCCCAAAAGGTCAACGAATTTTCCTCATTCTCAGAGGAGTCCTTGGTTCTACC[G>A]CCATGATGCTTATATACTATGCTTACCAGACAATGTCCCTCGCTGATGCCACAGTTATCA-3'
Protein context (NP_001128130.1, residues 133-153): LILRGVLGST[Ala143Thr]MMLIYYAYQT